The following is an entry in ClinVar:

ClinVar aggregate classification (germline): Uncertain significance. Review status: criteria provided, multiple submitters, no conflicts (2 of 4 stars). 2 submissions from 2 submitters: Uncertain significance (2). Last evaluated 2025-10-22.

gnomAD v4.1: 106 of 1,537,194 alleles (0.0069%); highest among the groups gnomAD compares: Admixed American, 0.16%; no homozygotes.

Submissions (2):

Mayo Clinic Laboratories, Mayo Clinic
Classification: Uncertain significance. Last evaluated: 2025-10-22. Review status: criteria provided, single submitter. Criteria: ACMG Guidelines, 2015. Collection method: clinical testing. Allele origin: germline. Observed: 1 variant allele.
Comment: BP4

Blueprint Genetics
Classification: Uncertain significance. Last evaluated: 2023-07-06. Review status: criteria provided, single submitter. Criteria: ACMG Guidelines, 2015. Collection method: clinical testing. Allele origin: germline.

NM_001256071.3(RNF213):c.5194A>T (p.Ile1732Phe)

Gene: RNF213 (ring finger protein 213; plus strand). Cytogenetic location: 17q25.3.
Variant type: single nucleotide variant.
Coding change: c.5194A>T on transcript NM_001256071.3 (MANE Select); coding-DNA position 5194, A replaced by T.
Protein change: p.Ile1732Phe; replaces isoleucine 1732 with phenylalanine.
Molecular consequence: missense variant.
Genome position (GRCh38, 1-based): chr17:80,339,561, A>T. VCF-style: chr17-80339561-A-T. GRCh37 (hg19) VCF-style: chr17-78313361-A-T.
Other names: p.Ile1732Phe; c.5341A>T, p.Ile1781Phe (NM_001410195.1, NM_020914.5); short protein forms I1732F, I1781F.
Identifiers: ClinVar variation 4542234 (VCV004542234.2).
Genomic context (GRCh38, chr17:80,339,561, plus strand): 5'-CTGAGCACTGAGCTCAGGAAGCAGCCCCCGAGTGATGCCGCCCTAACGATGCTATCCTTC[A>T]TCAAAAGCAACTGCACCCTGAGGGATGTCTTAAGGGCCTCTGTGGGGTGTGGGAGTGAGG-3'
Protein context (NP_001243000.2, residues 1722-1742): SDAALTMLSF[Ile1732Phe]KSNCTLRDVL